The following is an entry in ClinVar:

ClinVar aggregate classification (germline): Uncertain significance (1 of 4 stars; one submission).

Conditions:
Hereditary cancer-predisposing syndrome. Also called: Neoplastic Syndromes, Hereditary; Tumor predisposition; Hereditary Cancer Syndrome; Hereditary neoplastic syndrome. Identifiers: Orphanet 140162, MedGen C0027672, MeSH D009386, MONDO:0015356.

Submission:

Ambry Genetics
Classification: Uncertain significance for Hereditary cancer-predisposing syndrome. Last evaluated: 2025-09-16. Review status: criteria provided, single submitter. Criteria: Ambry Variant Classification Scheme 2023. Collection method: clinical testing. Allele origin: germline.
Comment: The p.V1414E variant (also known as c.4241T>A), located in coding exon 15 of the APC gene, results from a T to A substitution at nucleotide position 4241. The valine at codon 1414 is replaced by glutamic acid, an amino acid with dissimilar properties. This amino acid position is conserved. In addition, in silico predictors for this gene do not accurately predict pathogenicity. Based on the available evidence, the clinical significance of this variant remains unclear.

NM_000038.6(APC):c.4241T>A (p.Val1414Glu)

Gene: APC (APC regulator of Wnt signaling pathway; plus strand). Cytogenetic location: 5q22.2.
Variant type: single nucleotide variant.
Coding change: c.4241T>A on transcript NM_000038.6 (MANE Select); coding-DNA position 4241, T replaced by A.
Protein change: p.Val1414Glu; replaces valine 1414 with glutamic acid.
Molecular consequence: missense variant. On other transcripts: non-coding transcript variant (2).
Genome position (GRCh38, 1-based): chr5:112,839,835, T>A. VCF-style: chr5-112839835-T-A. GRCh37 (hg19) VCF-style: chr5-112175532-T-A.
Other names: c.4241T>A, p.Val1414Glu (NM_001127510.3, NM_001354895.2, NM_001407450.1); c.4187T>A, p.Val1396Glu (NM_001127511.3); c.4295T>A, p.Val1432Glu (NM_001354896.2, NM_001407447.1, NM_001407448.1 and 1 more transcripts); c.4271T>A, p.Val1424Glu (NM_001354897.2); c.4166T>A, p.Val1389Glu (NM_001354898.2); c.4157T>A, p.Val1386Glu (NM_001354899.2); c.4118T>A, p.Val1373Glu (NM_001354900.2); c.4064T>A, p.Val1355Glu (NM_001354901.2, NM_001407453.1); and 11 more; short protein forms V1285E, V1331E, V1373E, V1386E, V1432E, V1131E, V1254E, V1389E.
Identifiers: ClinVar variation 4575727 (VCV004575727.1).